The following is an entry in ClinVar:

ClinVar aggregate classification (germline): Likely pathogenic (1 of 4 stars; one submission).

gnomAD v4.1: 5 of 1,613,320 alleles (0.00031%); highest among the groups gnomAD compares: South Asian, 0.0011%; no homozygotes.

Submission:

Labcorp Genetics (formerly Invitae), Labcorp
Classification: Likely pathogenic. Last evaluated: 2024-12-03. Review status: criteria provided, single submitter. Criteria: Invitae Variant Classification Sherloc (09022015). Collection method: clinical testing. Allele origin: germline.
Comment: This sequence change affects a donor splice site in intron 1 of the PDE6C gene. It is expected to disrupt RNA splicing. Variants that disrupt the donor or acceptor splice site typically lead to a loss of protein function (PMID: 16199547), and loss-of-function variants in PDE6C are known to be pathogenic (PMID: 19887631, 23776498, 26103963, 30080950). This variant is present in population databases (no rsID available, gnomAD 0.003%). This variant has not been reported in the literature in individuals affected with PDE6C-related conditions. Algorithms developed to predict the effect of sequence changes on RNA splicing suggest that this variant may disrupt the consensus splice site. In summary, the currently available evidence indicates that the variant is pathogenic, but additional data are needed to prove that conclusively. Therefore, this variant has been classified as Likely Pathogenic.

Literature cited by the submitters: PubMed 16199547; PubMed 19887631; PubMed 23776498; PubMed 26103963; PubMed 30080950.

NM_006204.4(PDE6C):c.480+2T>C

Gene: PDE6C (phosphodiesterase 6C; plus strand). Cytogenetic location: 10q23.33.
Variant type: single nucleotide variant.
Coding change: c.480+2T>C on transcript NM_006204.4 (MANE Select); the canonical splice donor site of the intron after coding-DNA position 480, T replaced by C.
Molecular consequence: splice donor variant.
Genome position (GRCh38, 1-based): chr10:93,613,207, T>C. VCF-style: chr10-93613207-T-C. GRCh37 (hg19) VCF-style: chr10-95372964-T-C.
Identifiers: ClinVar variation 3718065 (VCV003718065.2).